The following is an entry in ClinVar:

ClinVar aggregate classification (germline): Benign. Review status: criteria provided, multiple submitters, no conflicts (2 of 4 stars). 12 submissions from 12 submitters: Benign (9). 3 of the submissions do not count toward it. Last evaluated 2026-02-04.

Conditions:
Spastic paraplegia. Identifiers: MedGen C0037772, HP:0001258.
Hereditary spastic paraplegia. Also called: Familial spastic paraparesis. Identifiers: Orphanet 685, MedGen C0037773, MONDO:0019064. Disease mechanism: loss of function.
Hereditary spastic paraplegia 15 (SPG15). Also called: SPASTIC PARAPLEGIA AND RETINAL DEGENERATION; KJELLIN SYNDROME; SPASTIC PARAPLEGIA 15, AUTOSOMAL RECESSIVE. Identifiers: Orphanet 100996, MedGen C1849128, MONDO:0010044, OMIM 270700.

Allele frequency attached by ClinVar (database versions not stated): 1000 Genomes Project 30x 0.90256; 1000 Genomes Project 0.90315; TOPMed 0.92819; gnomAD 0.93729 and 0.93795; ESP Exome Variant Server 0.94172; gnomAD exomes 0.95422 and 0.97611; ExAC 0.95457.
gnomAD v4.1: 1,569,503 of 1,614,112 alleles (97%); highest among the groups gnomAD compares: Non-Finnish European, 99%; 764,356 homozygotes.

Submissions (12):

Labcorp Genetics (formerly Invitae), Labcorp
Classification: Benign for Spastic paraplegia. Last evaluated: 2026-02-04. Review status: criteria provided, single submitter. Criteria: Invitae Variant Classification Sherloc (09022015). Collection method: clinical testing. Allele origin: germline.

Blueprint Genetics
Classification: Benign. Last evaluated: 2024-11-27. Review status: criteria provided, single submitter. Criteria: ACMG Guidelines, 2015. Collection method: clinical testing. Allele origin: germline.

Genome-Nilou Lab
Classification: Benign for Hereditary spastic paraplegia 15. Last evaluated: 2021-12-05. Review status: criteria provided, single submitter. Criteria: ACMG Guidelines, 2015. Collection method: clinical testing. Allele origin: germline. Affected: no.

Illumina Laboratory Services, Illumina
Classification: Benign for Hereditary spastic paraplegia 15. Last evaluated: 2018-01-12. Review status: criteria provided, single submitter. Criteria: ICSL Variant Classification Criteria 13 December 2019. Collection method: clinical testing. Allele origin: germline.
Comment: This variant was observed in the ICSL laboratory as part of a predisposition screen in an ostensibly healthy population. It had not been previously curated by ICSL or reported in the Human Gene Mutation Database (HGMD: prior to June 1st, 2018), and was therefore a candidate for classification through an automated scoring system. Utilizing variant allele frequency, disease prevalence and penetrance estimates, and inheritance mode, an automated score was calculated to assess if this variant is too frequent to cause the disease. Based on the score and internal cut-off values, a variant classified as benign is not then subjected to further curation. The score for this variant resulted in a classification of benign for this disease.

Athena Diagnostics
Classification: Benign. Last evaluated: 2017-07-24. Review status: criteria provided, single submitter. Criteria: Athena Diagnostics Criteria. Collection method: clinical testing. Allele origin: germline.

Genome Diagnostics Laboratory, The Hospital for Sick Children
Classification: Benign for Hereditary spastic paraplegia. Last evaluated: 2016-12-12. Review status: criteria provided, single submitter. Criteria: ACMG Guidelines, 2015. Collection method: clinical testing. Allele origin: germline. Affected: yes.

GeneDx
Classification: Benign. Last evaluated: 2016-01-21. Review status: criteria provided, single submitter. Criteria: GeneDx Variant Classification (06012015). Collection method: clinical testing. Allele origin: germline. Affected: yes.
Comment: This variant is considered likely benign or benign based on one or more of the following criteria: it is a conservative change, it occurs at a poorly conserved position in the protein, it is predicted to be benign by multiple in silico algorithms, and/or has population frequency not consistent with disease.

Mayo Clinic Laboratories, Mayo Clinic
Classification: Benign. Last evaluated: 2015-09-10. Review status: criteria provided, single submitter. Criteria: ACMG Guidelines, 2015. Collection method: clinical testing. Allele origin: germline. Observed: 1,753 variant alleles.

Breakthrough Genomics
Classification: Benign. Review status: criteria provided, single submitter. Criteria: ACMG Guidelines, 2015. Collection method: not provided. Allele origin: germline. Inheritance: Autosomal recessive inheritance. Affected: yes.

Diagnostic Laboratory, Department of Genetics, University Medical Center Groningen
Classification: Benign. Review status: no assertion criteria provided. Collection method: clinical testing. Allele origin: germline. Affected: yes. Study: VKGL Data-share Consensus. Not counted in ClinVar's aggregate classification.

Genetic Services Laboratory, University of Chicago
Classification: Likely benign for AllHighlyPenetrant. Review status: no assertion criteria provided. Collection method: clinical testing. Allele origin: germline. Inheritance: Autosomal recessive inheritance. Not counted in ClinVar's aggregate classification.
Comment: Likely benign based on allele frequency in 1000 Genomes Project or ESP global frequency and its presence in a patient with a rare or unrelated disease phenotype. NOT Sanger confirmed.

Joint Genome Diagnostic Labs from Nijmegen and Maastricht, Radboudumc and MUMC+
Classification: Benign. Review status: no assertion criteria provided. Collection method: clinical testing. Allele origin: germline. Affected: yes. Study: VKGL Data-share Consensus. Not counted in ClinVar's aggregate classification.

NM_015346.4(ZFYVE26):c.5672A>G (p.Asn1891Ser)

Gene: ZFYVE26 (zinc finger FYVE-type containing 26; minus strand). Cytogenetic location: 14q24.1.
Variant type: single nucleotide variant.
Coding change: c.5672A>G on transcript NM_015346.4 (MANE Select); coding-DNA position 5672, A replaced by G.
Protein change: p.Asn1891Ser; replaces asparagine 1891 with serine.
Molecular consequence: missense variant.
Genome position (GRCh38, 1-based): chr14:67,767,822, T>C on the plus strand (A>G on the coding strand, the complement: ZFYVE26 is on the minus strand). VCF-style: chr14-67767822-T-C. GRCh37 (hg19) VCF-style: chr14-68234539-T-C.
Other names: short protein forms N1891S.
Identifiers: ClinVar variation 130783 (VCV000130783.31), dbSNP rs3742883, ClinGen allele CA156063.